The following is an entry in ClinVar:

NM_001330.5(CTF1):c.211C>A (p.Leu71Met)

Genes: CTF1 (cardiotrophin 1; plus strand), LOC130058878 (ATAC-STARR-seq lymphoblastoid silent region 7400; plus strand). Cytogenetic location: 16p11.2.
Variant type: single nucleotide variant.
Coding change: c.211C>A on transcript NM_001330.5 (MANE Select); coding-DNA position 211, C replaced by A.
Protein change: p.Leu71Met; replaces leucine 71 with methionine.
Molecular consequence: missense variant. On other transcripts: non-coding transcript variant (1).
Genome position (GRCh38, 1-based): chr16:30,902,144, C>A. VCF-style: chr16-30902144-C-A. GRCh37 (hg19) VCF-style: chr16-30913465-C-A.
Other names: c.208C>A, p.Leu70Met (NM_001142544.3); short protein forms L71M, L70M.
Identifiers: ClinVar variation 2781471 (VCV002781471.3), dbSNP rs1001355081, ClinGen allele CA280531198.

ClinVar aggregate classification (germline): Uncertain significance (1 of 4 stars; one submission).

Allele frequency attached by ClinVar (database versions not stated): gnomAD 0.00001; TOPMed 0.00001; gnomAD exomes 0.00001.
gnomAD v4.1: 11 of 1,398,508 alleles (0.00079%); highest among the groups gnomAD compares: Non-Finnish European, 0.001%; no homozygotes.

Submission:

Labcorp Genetics (formerly Invitae), Labcorp
Classification: Uncertain significance. Last evaluated: 2022-11-09. Review status: criteria provided, single submitter. Criteria: Invitae Variant Classification Sherloc (09022015). Collection method: clinical testing. Allele origin: germline.
Comment: In summary, the available evidence is currently insufficient to determine the role of this variant in disease. Therefore, it has been classified as a Variant of Uncertain Significance. Algorithms developed to predict the effect of missense changes on protein structure and function are either unavailable or do not agree on the potential impact of this missense change (SIFT: "Deleterious"; PolyPhen-2: "Probably Damaging"; Align-GVGD: "Class C0"). This variant has not been reported in the literature in individuals affected with CTF1-related conditions. This variant is not present in population databases (gnomAD no frequency). This sequence change replaces leucine, which is neutral and non-polar, with methionine, which is neutral and non-polar, at codon 71 of the CTF1 protein (p.Leu71Met).